The following is an entry in ClinVar:

NM_000548.5(TSC2):c.908T>C (p.Leu303Pro)

Gene: TSC2 (TSC complex subunit 2; plus strand). Cytogenetic location: 16p13.3.
Variant type: single nucleotide variant.
Coding change: c.908T>C on transcript NM_000548.5 (MANE Select); coding-DNA position 908, T replaced by C.
Protein change: p.Leu303Pro; replaces leucine 303 with proline.
Molecular consequence: missense variant. On other transcripts: 5 prime UTR variant (10), non-coding transcript variant (5).
Genome position (GRCh38, 1-based): chr16:2,058,806, T>C. VCF-style: chr16-2058806-T-C. GRCh37 (hg19) VCF-style: chr16-2108807-T-C.
Other names: c.-524T>C (NM_001406692.1, NM_001406693.1, NM_001406696.1 and 4 more transcripts); c.-405T>C (NM_001406694.1, NM_001406695.1); c.-700T>C (NM_001406698.1); c.908T>C, p.Leu303Pro (NM_021055.3, NM_001077183.3, NM_001114382.3 and 6 more transcripts); c.308T>C, p.Leu103Pro (NM_001406686.1, NM_001406687.1, NM_001406688.1 and 6 more transcripts); c.761T>C, p.Leu254Pro (NM_001406675.1, NM_001406676.1, NM_001406679.1 and 1 more transcripts); c.851T>C, p.Leu284Pro (NM_001406677.1); c.797T>C, p.Leu266Pro (NM_001406678.1, NM_001318827.2, NM_001406670.1); and 4 more; short protein forms L103P, L149P, L254P, L266P, L284P, L299P, L303P, L314P.
Identifiers: ClinVar variation 4866070 (VCV004866070.1).

ClinVar aggregate classification (germline): Likely pathogenic (1 of 4 stars; one submission).

Conditions:
Hereditary cancer-predisposing syndrome. Also called: Neoplastic Syndromes, Hereditary; Tumor predisposition; Hereditary Cancer Syndrome; Hereditary neoplastic syndrome. Identifiers: Orphanet 140162, MedGen C0027672, MeSH D009386, MONDO:0015356.

Submission:

Ambry Genetics
Classification: Likely pathogenic for Hereditary cancer-predisposing syndrome. Last evaluated: 2026-03-25. Review status: criteria provided, single submitter. Criteria: Ambry Variant Classification Scheme 2023. Collection method: clinical testing. Allele origin: germline.
Comment: The p.L303P variant (also known as c.908T>C), located in coding exon 9 of the TSC2 gene, results from a T to C substitution at nucleotide position 908. The leucine at codon 303 is replaced by proline, an amino acid with similar properties. This variant was reported in individual(s) with features consistent with tuberous sclerosis complex; in at least one individual, it was determined to be de novo (LOVD database; Suspitsin EN et al. J Hum Genet, 2018 May;63:597-604; Ambry internal data). This amino acid position is highly conserved in available vertebrate species. In addition, this alteration is predicted to be deleterious by in silico analysis. This variant is considered to be rare based on population cohorts in the Genome Aggregation Database (gnomAD). Based on the majority of available evidence to date, this variant is likely to be pathogenic.

Literature cited by the submitters: PubMed 29476190.